The following is an entry in ClinVar:

NM_002693.3(POLG):c.2530G>A (p.Val844Met)

Gene: POLG (DNA polymerase gamma, catalytic subunit; minus strand). Cytogenetic location: 15q26.1.
Variant type: single nucleotide variant.
Coding change: c.2530G>A on transcript NM_002693.3 (MANE Select); coding-DNA position 2530, G replaced by A.
Protein change: p.Val844Met; replaces valine 844 with methionine.
Molecular consequence: missense variant.
Genome position (GRCh38, 1-based): chr15:89,321,804, C>T on the plus strand (G>A on the coding strand, the complement: POLG is on the minus strand). VCF-style: chr15-89321804-C-T. GRCh37 (hg19) VCF-style: chr15-89865035-C-T.
Other names: c.2530G>A, p.Val844Met (NM_001126131.2); short protein forms V844M.
Identifiers: ClinVar variation 449762 (VCV000449762.5), dbSNP rs1555452881, ClinGen allele CA393754488.

ClinVar aggregate classification (germline): Uncertain significance. Review status: criteria provided, multiple submitters, no conflicts (2 of 4 stars). 3 submissions from 3 submitters: Uncertain significance (3). Last evaluated 2024-06-17.

Conditions:
Progressive sclerosing poliodystrophy (MTDPS4A). Also called: NEURONAL DEGENERATION OF CHILDHOOD WITH LIVER DISEASE, PROGRESSIVE; ALPERS PROGRESSIVE INFANTILE POLIODYSTROPHY; Alpers-Huttenlocher Syndrome (AHS); Mitochondrial DNA depletion syndrome 4A (Alpers type); Mitochondrial DNA Depletion Syndrome 4A; Alpers Syndrome. Identifiers: Orphanet 726, MedGen C0205710, MONDO:0008758, OMIM 203700.
Mitochondrial DNA depletion syndrome 1. Also called: POLIP SYNDROME; POLYNEUROPATHY, OPHTHALMOPLEGIA, LEUKOENCEPHALOPATHY, AND INTESTINAL PSEUDOOBSTRUCTION; Mitochondrial neurogastrointestinal encephalomyopathy syndrome; Mitochondrial DNA depletion syndrome 1 (MNGIE type); Mitochondrial DNA Depletion Syndrome, MNGIE Form; Mitochondrial Neurogastrointestinal Encephalopathy Disease. Identifiers: Orphanet 298, MedGen C4551995, MONDO:0011283, OMIM 603041.
Progressive external ophthalmoplegia with mitochondrial DNA deletions, autosomal dominant 1 (PEOA1). Also called: Autosomal Dominant Progressive External Ophthalmoplegia (adPEO); PROGRESSIVE EXTERNAL OPHTHALMOPLEGIA, AUTOSOMAL DOMINANT 1. Identifiers: MedGen C1834846, MONDO:0024528, OMIM 157640.
Progressive external ophthalmoplegia with mitochondrial DNA deletions, autosomal recessive 1 (PEOB1). Also called: Autosomal Recessive Progressive External Ophthalmoplegia (arPEO); Progressive external ophthalmoplegia, autosomal recessive 1. Identifiers: Orphanet 254886, MedGen C4225153, MONDO:0009783, OMIM 258450.
Mitochondrial DNA depletion syndrome 4b. Also called: Mitochondrial Neurogastrointestinal Encephalopathy Disease, POLG-Related; MNGIE, POLG-RELATED. Identifiers: Orphanet 298, MedGen C3150914, MONDO:0013350, OMIM 613662.
Sensory ataxic neuropathy, dysarthria, and ophthalmoparesis (SANDO). Also called: Sensory ataxic neuropathy-dysarthria-ophthalmoparesis syndrome; Epilepsy, progressive myoclonic, type 5; SENSORY ATAXIC NEUROPATHY WITH MITOCHONDRIAL DNA DELETIONS, AUTOSOMAL RECESSIVE; Ataxia Neuropathy Spectrum (ANS). Identifiers: Orphanet 70595, MedGen C1843851, MONDO:0011835, OMIM 607459.

Submissions (3):

Labcorp Genetics (formerly Invitae), Labcorp
Classification: Uncertain significance for Progressive sclerosing poliodystrophy. Last evaluated: 2024-06-17. Review status: criteria provided, single submitter. Criteria: Invitae Variant Classification Sherloc (09022015). Collection method: clinical testing. Allele origin: germline.
Comment: This sequence change replaces valine, which is neutral and non-polar, with methionine, which is neutral and non-polar, at codon 844 of the POLG protein (p.Val844Met). This variant is not present in population databases (gnomAD no frequency). This variant has not been reported in the literature in individuals affected with POLG-related conditions. ClinVar contains an entry for this variant (Variation ID: 449762). Advanced modeling of protein sequence and biophysical properties (such as structural, functional, and spatial information, amino acid conservation, physicochemical variation, residue mobility, and thermodynamic stability) performed at Invitae indicates that this missense variant is expected to disrupt POLG protein function with a positive predictive value of 95%. In summary, the available evidence is currently insufficient to determine the role of this variant in disease. Therefore, it has been classified as a Variant of Uncertain Significance.

Fulgent Genetics
Classification: Uncertain significance for Progressive external ophthalmoplegia with mitochondrial DNA deletions, autosomal dominant 1; Progressive sclerosing poliodystrophy; Progressive external ophthalmoplegia with mitochondrial DNA deletions, autosomal recessive 1; Mitochondrial DNA depletion syndrome 1; Sensory ataxic neuropathy, dysarthria, and ophthalmoparesis; Mitochondrial DNA depletion syndrome 4b. Last evaluated: 2021-12-01. Review status: criteria provided, single submitter. Criteria: ACMG Guidelines, 2015. Collection method: clinical testing. Allele origin: unknown.

GeneDx
Classification: Uncertain significance. Last evaluated: 2017-07-12. Review status: criteria provided, single submitter. Criteria: GeneDx Variant Classification (06012015). Collection method: clinical testing. Allele origin: germline. Affected: yes.
Comment: A variant of uncertain significance has been identified in the POLG gene. The V844M variant has not been published as a pathogenic variant, nor has it been reported as a benign variant to our knowledge. The V844M variant is not observed in large population cohorts (Lek et al., 2016; 1000 Genomes Consortium et al., 2015; Exome Variant Server). This substitution occurs at a position that is conserved across species. In silico analysis predicts this variant is probably damaging to the protein structure/function. However, the V844M variant is a conservative amino acid substitution, which is not likely to impact secondary protein structure as these residues share similar properties. Therefore, based on the currently available information, it is unclear whether this variant is a pathogenic variant or a rare benign variant.